The following is an entry in ClinVar:

ClinVar aggregate classification (germline): Likely benign (1 of 4 stars; one submission).

Conditions:
EIF4G1-related disorder. Also called: EIF4G1-related condition.

gnomAD v4.1: 1,828 of 1,614,096 alleles (0.11%); highest among the groups gnomAD compares: Non-Finnish European, 0.14%; no homozygotes.

Submission:

PreventionGenetics, part of Exact Sciences
Classification: Likely benign for EIF4G1-related condition. Last evaluated: 2026-08-07. Review status: criteria provided, single submitter. Criteria: ACMG Guidelines, 2015. Collection method: clinical testing. Allele origin: germline.
Comment: This variant is classified as likely benign based on ACMG/AMP sequence variant interpretation guidelines (Richards et al. 2015 PMID: 25741868, with internal and published modifications).

NM_198241.3(EIF4G1):c.1456C>T (p.Pro486Ser)

Gene: EIF4G1 (eukaryotic translation initiation factor 4 gamma 1; plus strand). Cytogenetic location: 3q27.1.
Variant type: single nucleotide variant.
Coding change: c.1456C>T on transcript NM_198241.3 (MANE Select); coding-DNA position 1456, C replaced by T.
Protein change: p.Pro486Ser; replaces proline 486 with serine.
Molecular consequence: missense variant.
Genome position (GRCh38, 1-based): chr3:184,322,040, C>T. VCF-style: chr3-184322040-C-T. GRCh37 (hg19) VCF-style: chr3-184039828-C-T.
Other names: c.1477C>T, p.Pro493Ser (NM_001194946.2, NM_001194947.2); c.1336C>T, p.Pro446Ser (NM_001291157.2); c.868C>T, p.Pro290Ser (NM_004953.5); c.1456C>T, p.Pro486Ser (NM_182917.4); c.964C>T, p.Pro322Ser (NM_198242.3); c.1195C>T, p.Pro399Ser (NM_198244.3); short protein forms P399S, P486S, P322S, P290S, P493S, P446S.
Identifiers: ClinVar variation 4985478 (VCV004985478.1).